The following is an entry in ClinVar:

ClinVar aggregate classification (germline): Uncertain significance. Review status: criteria provided, multiple submitters, no conflicts (2 of 4 stars). 2 submissions from 2 submitters: Uncertain significance (2). Last evaluated 2025-08-28.

Conditions:
Atrioventricular septal defect 4 (AVSD4). Identifiers: MedGen C3280781, MONDO:0013747, OMIM 614430.
Cardiovascular phenotype. Identifiers: MedGen CN230736.

Allele frequency attached by ClinVar (database versions not stated): gnomAD exomes 0.00001.
gnomAD v4.1: 2 of 1,527,404 alleles (0.00013%); highest among the groups gnomAD compares: Admixed American, 0.0039%; no homozygotes.

Submissions (2):

Ambry Genetics
Classification: Uncertain significance for Cardiovascular phenotype. Last evaluated: 2025-08-28. Review status: criteria provided, single submitter. Criteria: Ambry Variant Classification Scheme 2023. Collection method: clinical testing. Allele origin: germline.
Comment: The p.P203R variant (also known as c.608C>G), located in coding exon 1 of the GATA4 gene, results from a C to G substitution at nucleotide position 608. The proline at codon 203 is replaced by arginine, an amino acid with dissimilar properties. This amino acid position is conserved. In addition, the in silico prediction for this alteration is inconclusive. Based on the available evidence, the clinical significance of this variant remains unclear.

Labcorp Genetics (formerly Invitae), Labcorp
Classification: Uncertain significance for Atrioventricular septal defect 4. Last evaluated: 2022-04-24. Review status: criteria provided, single submitter. Criteria: Invitae Variant Classification Sherloc (09022015). Collection method: clinical testing. Allele origin: germline.
Comment: This variant has not been reported in the literature in individuals affected with GATA4-related conditions. This variant is present in population databases (no rsID available, gnomAD 0.004%). This sequence change replaces proline, which is neutral and non-polar, with arginine, which is basic and polar, at codon 203 of the GATA4 protein (p.Pro203Arg). In summary, the available evidence is currently insufficient to determine the role of this variant in disease. Therefore, it has been classified as a Variant of Uncertain Significance. Algorithms developed to predict the effect of missense changes on protein structure and function (SIFT, PolyPhen-2, Align-GVGD) all suggest that this variant is likely to be tolerated.

NM_001308093.3(GATA4):c.608C>G (p.Pro203Arg)

Gene: GATA4 (GATA binding protein 4). Cytogenetic location: 8p23.1.
Variant type: single nucleotide variant.
Coding change: c.608C>G on transcript NM_001308093.3 (MANE Select); coding-DNA position 608, C replaced by G.
Protein change: p.Pro203Arg; replaces proline 203 with arginine.
Molecular consequence: missense variant. On other transcripts: intron variant (3).
Genome position (GRCh38, 1-based): chr8:11,708,920, C>G. VCF-style: chr8-11708920-C-G. GRCh37 (hg19) VCF-style: chr8-11566429-C-G.
Other names: c.608C>G, p.Pro203Arg (NM_002052.5); c.-6+8142C>G (NM_001308094.2); c.-3+906C>G (NM_001374274.1); c.-3+4616C>G (NM_001374273.1); c.608C>G (NM_002052.3); short protein forms P203R.
Identifiers: ClinVar variation 1428054 (VCV001428054.9), dbSNP rs1049056938, ClinGen allele CA172075077.